The following is an entry in ClinVar:

NM_005228.5(EGFR):c.2276T>A (p.Ile759Asn)

Gene: EGFR (epidermal growth factor receptor; plus strand). Cytogenetic location: 7p11.2.
Variant type: single nucleotide variant.
Coding change: c.2276T>A on transcript NM_005228.5 (MANE Select); coding-DNA position 2276, T replaced by A.
Protein change: p.Ile759Asn; replaces isoleucine 759 with asparagine.
Molecular consequence: missense variant.
Genome position (GRCh38, 1-based): chr7:55,174,813, T>A. VCF-style: chr7-55174813-T-A. GRCh37 (hg19) VCF-style: chr7-55242506-T-A.
Other names: c.2141T>A, p.Ile714Asn (NM_001346897.2, NM_001346899.2); c.2276T>A, p.Ile759Asn (NM_001346898.2); c.2117T>A, p.Ile706Asn (NM_001346900.2); c.1475T>A, p.Ile492Asn (NM_001346941.2); short protein forms I706N, I759N, I492N, I714N.
Identifiers: ClinVar variation 845889 (VCV000845889.12), dbSNP rs1786527132, ClinGen allele CA367584229.
Genomic context (GRCh38, chr7:55,174,813, plus strand): 5'-AAATTCCCGTCGCTATCAAGGAATTAAGAGAAGCAACATCTCCGAAAGCCAACAAGGAAA[T>A]CCTCGATGTGAGTTTCTGCTTTGCTGTGTGGGGGTCCATGGCTCTGAACCTCAGGCCCAC-3'
Protein context (NP_005219.2, residues 749-769): EATSPKANKE[Ile759Asn]LDEAYVMASV

ClinVar aggregate classification (germline): Uncertain significance. Review status: criteria provided, multiple submitters, no conflicts (2 of 4 stars). 3 submissions from 3 submitters: Uncertain significance (3). Last evaluated 2025-11-14.

Conditions:
Hereditary cancer-predisposing syndrome. Also called: Neoplastic Syndromes, Hereditary; Hereditary neoplastic syndrome; Tumor predisposition; Hereditary Cancer Syndrome. Identifiers: Orphanet 140162, MedGen C0027672, MeSH D009386, MONDO:0015356.
EGFR-related lung cancer (EGFR). Identifiers: MedGen CN130014.

Submissions (3):

Dasa
Classification: Uncertain significance. Last evaluated: 2025-11-14. Review status: criteria provided, single submitter. Criteria: DASA Assertion Criteria. Collection method: clinical testing. Allele origin: germline.
Comment: NM_005228.5(EGFR):c.2276T>A (p.Ile759Asn) is a missense variant that results in the substitution of isoleucine with asparagine. This variant is absent from population databases. Computational prediction algorithms are consistent with a deleterious effect. The currently available literature and clinical evidence are not sufficient to establish a definitive association between this variant and the reported condition. Therefore, this variant is classified as a variant of uncertain significance.

Ambry Genetics
Classification: Uncertain significance for Hereditary cancer-predisposing syndrome. Last evaluated: 2025-01-31. Review status: criteria provided, single submitter. Criteria: Ambry Variant Classification Scheme 2023. Collection method: clinical testing. Allele origin: germline.
Comment: The p.I759N variant (also known as c.2276T>A), located in coding exon 19 of the EGFR gene, results from a T to A substitution at nucleotide position 2276. The isoleucine at codon 759 is replaced by asparagine, an amino acid with dissimilar properties. This amino acid position is highly conserved in available vertebrate species. In addition, this alteration is predicted to be deleterious by in silico analysis. Based on the available evidence, the clinical significance of this variant remains unclear.

Labcorp Genetics (formerly Invitae), Labcorp
Classification: Uncertain significance for EGFR-related lung cancer. Last evaluated: 2024-01-12. Review status: criteria provided, single submitter. Criteria: Invitae Variant Classification Sherloc (09022015). Collection method: clinical testing. Allele origin: germline.
Comment: This sequence change replaces isoleucine, which is neutral and non-polar, with asparagine, which is neutral and polar, at codon 759 of the EGFR protein (p.Ile759Asn). This variant is not present in population databases (gnomAD no frequency). This variant has not been reported in the literature in individuals affected with EGFR-related conditions. ClinVar contains an entry for this variant (Variation ID: 845889). Advanced modeling of protein sequence and biophysical properties (such as structural, functional, and spatial information, amino acid conservation, physicochemical variation, residue mobility, and thermodynamic stability) performed at Invitae indicates that this missense variant is not expected to disrupt EGFR protein function with a negative predictive value of 80%. In summary, the available evidence is currently insufficient to determine the role of this variant in disease. Therefore, it has been classified as a Variant of Uncertain Significance.